The following is an entry in ClinVar:

ClinVar aggregate classification (germline): Pathogenic. Review status: reviewed by expert panel (3 of 4 stars). 6 submissions from 6 submitters: Pathogenic (1). 5 of the submissions do not count toward it. Last evaluated 2016-09-08.

Conditions:
Hereditary breast ovarian cancer syndrome. Also called: Hereditary breast and ovarian cancer syndrome; Hereditary breast and ovarian cancer; Hereditary breast and ovarian cancer syndrome (HBOC); Breast and ovarian cancer; Hereditary breast and/or ovarian cancer syndrome; BRCA1- and BRCA2-Associated Hereditary Breast and Ovarian Cancer. Identifiers: Orphanet 145, MedGen C0677776, MeSH D061325, MONDO:0003582. Disease mechanism: loss of function.
Breast-ovarian cancer, familial, susceptibility to, 2 (BROVCA2). Also called: BRCA2 Hereditary Breast and Ovarian Cancer. Identifiers: Orphanet 145, MedGen C2675520, MONDO:0012933, OMIM 612555. Disease mechanism: loss of function.
Breast and/or ovarian cancer. Identifiers: MedGen CN221562.
Hereditary cancer-predisposing syndrome. Also called: Neoplastic Syndromes, Hereditary; Tumor predisposition; Hereditary Cancer Syndrome; Hereditary neoplastic syndrome. Identifiers: Orphanet 140162, MedGen C0027672, MeSH D009386, MONDO:0015356.

Submissions (6):

Evidence-based Network for the Interpretation of Germline Mutant Alleles (ENIGMA)
Classification: Pathogenic for Breast-ovarian cancer, familial, susceptibility to, 2. Last evaluated: 2016-09-08. Review status: reviewed by expert panel. Criteria: ENIGMA BRCA1/2 Classification Criteria (2015). Collection method: curation. Allele origin: germline.
Comment: Variant allele predicted to encode a truncated non-functional protein.

Ambry Genetics
Classification: Pathogenic for Hereditary cancer-predisposing syndrome. Last evaluated: 2025-12-02. Review status: criteria provided, single submitter. Criteria: Ambry Variant Classification Scheme 2023. Collection method: clinical testing. Allele origin: germline. Not counted in ClinVar's aggregate classification.
Comment: The c.3226_3230delGTAGT pathogenic mutation, located in coding exon 10 of the BRCA2 gene, results from a deletion of 5 nucleotides at nucleotide positions 3226 to 3230, causing a translational frameshift with a predicted alternate stop codon (p.V1076Cfs*3). This variant is considered to be rare based on population cohorts in the Genome Aggregation Database (gnomAD). This alteration is expected to result in loss of function by premature protein truncation or nonsense-mediated mRNA decay. As such, this alteration is interpreted as a disease-causing mutation.

Women's Health and Genetics/Laboratory Corporation of America, LabCorp
Classification: Pathogenic for Hereditary breast ovarian cancer syndrome. Last evaluated: 2023-11-13. Review status: criteria provided, single submitter. Criteria: LabCorp Variant Classification Summary - May 2015. Collection method: clinical testing. Allele origin: germline. Not counted in ClinVar's aggregate classification.
Comment: Variant summary: BRCA2 c.3226_3230delGTAGT (p.Val1076CysfsX3) results in a premature termination codon, predicted to cause a truncation of the encoded protein or absence of the protein due to nonsense mediated decay, which are commonly known mechanisms for disease. The variant was absent in 243162 control chromosomes. c.3226_3230delGTAGT has been reported in the literature in individuals affected with Hereditary Breast And Ovarian Cancer Syndrome (example, Lubinski_2004, van der Hout_2006). The following publications have been ascertained in the context of this evaluation (PMID: 15131399, 16683254). Three submitters including an expert panel (ENIGMA) have cited clinical-significance assessments for this variant to ClinVar after 2014. All submitters classified the variant as pathogenic. Based on the evidence outlined above, the variant was classified as pathogenic.

CHEO Genetics Diagnostic Laboratory, Children's Hospital of Eastern Ontario
Classification: Pathogenic for Breast and/or ovarian cancer. Last evaluated: 2017-08-17. Review status: criteria provided, single submitter. Criteria: ACMG Guidelines, 2015. Collection method: clinical testing. Allele origin: germline. Study: Canadian Open Genetics Repository. Not counted in ClinVar's aggregate classification.

Consortium of Investigators of Modifiers of BRCA1/2 (CIMBA), c/o University of Cambridge
Classification: Pathogenic for Breast-ovarian cancer, familial, susceptibility to, 2. Last evaluated: 2015-10-02. Review status: criteria provided, single submitter. Criteria: CIMBA Mutation Classification guidelines May 2016. Collection method: clinical testing. Allele origin: germline. Not counted in ClinVar's aggregate classification.

Research Molecular Genetics Laboratory, Women's College Hospital, University of Toronto
Classification: Pathogenic for Hereditary breast ovarian cancer syndrome. Last evaluated: 2014-01-31. Review status: no assertion criteria provided. Collection method: research. Allele origin: germline. Affected: yes. Study: The Canadian Open Genetics Repository (COGR). Not counted in ClinVar's aggregate classification.

Literature cited by the submitters: PubMed 15131399 (cited by Women's Health and Genetics/Laboratory Corporation of America, LabCorp); PubMed 16683254 (cited by Women's Health and Genetics/Laboratory Corporation of America, LabCorp).

NM_000059.4(BRCA2):c.3226_3230del (p.Val1076fs)

Gene: BRCA2 (BRCA2 DNA repair associated; plus strand). Cytogenetic location: 13q13.1.
Variant type: Microsatellite.
Coding change: c.3226_3230del on transcript NM_000059.4 (MANE Select); coding-DNA positions 3226 to 3230, 5 bases deleted (GTAGT; older notation c.3226_3230delGTAGT).
Protein change: p.Val1076fs; shifts the reading frame from valine 1076.
Molecular consequence: frameshift variant.
Genome position (GRCh38, 1-based): chr13:32,337,581-32,337,585, GTAGT deleted; deleting any 5 consecutive bases within chr13:32,337,576-32,337,585 gives the same sequence; the c. name uses the placement nearest the transcript's 3' end. VCF-style (leftmost placement, unchanged base first): chr13-32337575-AGTAGT-A. GRCh37 (hg19) VCF-style: chr13-32911712-AGTAGT-A.
Other names: c.3221_3225delGTAGT (NM_000059.3); short protein forms V1076fs.
Identifiers: ClinVar variation 51426 (VCV000051426.11), dbSNP rs397507659, ClinGen allele CA017580.